The following is an entry in ClinVar:

ClinVar aggregate classification (germline): Uncertain significance. Review status: criteria provided, multiple submitters, no conflicts (2 of 4 stars). 4 submissions from 4 submitters: Uncertain significance (3). 1 of the submissions does not count toward it. Last evaluated 2024-10-22.

Conditions:
Hereditary cancer-predisposing syndrome. Also called: Hereditary Cancer Syndrome; Neoplastic Syndromes, Hereditary; Tumor predisposition; Hereditary neoplastic syndrome. Identifiers: Orphanet 140162, MedGen C0027672, MeSH D009386, MONDO:0015356.
Ataxia-telangiectasia syndrome (AT). Also called: Ataxia telangiectasia (A-T); Ataxia-telangiectasia, complementation group E; LOUIS-BAR SYNDROME; Cerebello-oculocutaneous telangiectasia; Immunodeficiency with ataxia telangiectasia; Ataxia-telangiectasia, complementation group D. Identifiers: Orphanet 100, MedGen C0004135, MONDO:0008840, OMIM 208900.

gnomAD v4.1: 1 of 1,536,544 alleles (0.000065%); highest among the groups gnomAD compares: Non-Finnish European, 0.00009%; no homozygotes.

Submissions (4):

Ambry Genetics
Classification: Uncertain significance for Hereditary cancer-predisposing syndrome. Last evaluated: 2024-10-22. Review status: criteria provided, single submitter. Criteria: Ambry Variant Classification Scheme 2023. Collection method: clinical testing. Allele origin: germline.
Comment: The p.F1234L variant (also known as c.3702T>G), located in coding exon 24 of the ATM gene, results from a T to G substitution at nucleotide position 3702. The phenylalanine at codon 1234 is replaced by leucine, an amino acid with highly similar properties. This amino acid position is highly conserved in available vertebrate species. In addition, this alteration is predicted to be tolerated by in silico analysis. Since supporting evidence is limited at this time, the clinical significance of this alteration remains unclear.

Labcorp Genetics (formerly Invitae), Labcorp
Classification: Uncertain significance for Ataxia-telangiectasia syndrome. Last evaluated: 2024-07-22. Review status: criteria provided, single submitter. Criteria: Invitae Variant Classification Sherloc (09022015). Collection method: clinical testing. Allele origin: germline.
Comment: This sequence change replaces phenylalanine, which is neutral and non-polar, with leucine, which is neutral and non-polar, at codon 1234 of the ATM protein (p.Phe1234Leu). This variant is not present in population databases (gnomAD no frequency). This variant has not been reported in the literature in individuals affected with ATM-related conditions. ClinVar contains an entry for this variant (Variation ID: 232184). An algorithm developed to predict the effect of missense changes on protein structure and function (PolyPhen-2) suggests that this variant is likely to be disruptive. In summary, the available evidence is currently insufficient to determine the role of this variant in disease. Therefore, it has been classified as a Variant of Uncertain Significance.

Color Diagnostics, LLC DBA Color Health
Classification: Uncertain significance for Hereditary cancer-predisposing syndrome. Last evaluated: 2023-12-05. Review status: criteria provided, single submitter. Criteria: ACMG Guidelines, 2015. Collection method: clinical testing. Allele origin: germline.
Comment: This missense variant replaces phenylalanine with leucine at codon 1234 of the ATM protein. Computational prediction suggests that this variant may not impact protein structure and function (internally defined REVEL score threshold <= 0.5, PMID: 27666373). To our knowledge, functional studies have not been reported for this variant. This variant has not been reported in individuals affected with ATM-related disorders in the literature. This variant has not been identified in the general population by the Genome Aggregation Database (gnomAD). The available evidence is insufficient to determine the role of this variant in disease conclusively. Therefore, this variant is classified as a Variant of Uncertain Significance.

Natera, Inc.
Classification: Uncertain significance for Ataxia-telangiectasia. Last evaluated: 2020-09-23. Review status: no assertion criteria provided. Collection method: clinical testing. Allele origin: germline. Not counted in ClinVar's aggregate classification.

NM_000051.4(ATM):c.3702T>G (p.Phe1234Leu)

Gene: ATM (ATM serine/threonine kinase; plus strand). Cytogenetic location: 11q22.3.
Variant type: single nucleotide variant.
Coding change: c.3702T>G on transcript NM_000051.4 (MANE Select); coding-DNA position 3702, T replaced by G.
Protein change: p.Phe1234Leu; replaces phenylalanine 1234 with leucine.
Molecular consequence: missense variant.
Genome position (GRCh38, 1-based): chr11:108,282,835, T>G. VCF-style: chr11-108282835-T-G. GRCh37 (hg19) VCF-style: chr11-108153562-T-G.
Other names: c.3702T>G, p.Phe1234Leu (NM_001351834.2); short protein forms F1234L.
Identifiers: ClinVar variation 232184 (VCV000232184.21), dbSNP rs876659605, ClinGen allele CA10579119.